The following is an entry in ClinVar:

ClinVar aggregate classification (germline): Uncertain significance (1 of 4 stars; one submission).

gnomAD v4.1: 1 of 1,613,756 alleles (0.000062%); highest among the groups gnomAD compares: Non-Finnish European, 0.000085%; no homozygotes.

Submission:

GeneDx
Classification: Uncertain significance. Last evaluated: 2025-07-17. Review status: criteria provided, single submitter. Criteria: GeneDx Variant Classification Process June 2021. Collection method: clinical testing. Allele origin: germline. Affected: yes.
Comment: Not observed at significant frequency in large population cohorts (gnomAD); In silico analysis supports that this missense variant has a deleterious effect on protein structure/function; Has not been previously published as pathogenic or benign to our knowledge

NM_206933.4(USH2A):c.1626C>G (p.Ser542Arg)

Gene: USH2A (usherin; minus strand). Cytogenetic location: 1q41.
Variant type: single nucleotide variant.
Coding change: c.1626C>G on transcript NM_206933.4 (MANE Select); coding-DNA position 1626, C replaced by G.
Protein change: p.Ser542Arg; replaces serine 542 with arginine.
Molecular consequence: missense variant.
Genome position (GRCh38, 1-based): chr1:216,321,901, G>C on the plus strand (C>G on the coding strand, the complement: USH2A is on the minus strand). VCF-style: chr1-216321901-G-C. GRCh37 (hg19) VCF-style: chr1-216495243-G-C.
Other names: c.1626C>G, p.Ser542Arg (NM_007123.6); short protein forms S542R.
Identifiers: ClinVar variation 4686367 (VCV004686367.1).